The following is an entry in ClinVar:

NM_000642.3(AGL):c.1017del (p.Glu340fs)

Gene: AGL (amylo-alpha-1,6-glucosidase and 4-alpha-glucanotransferase; plus strand). Cytogenetic location: 1p21.2.
Variant type: Deletion.
Coding change: c.1017del on transcript NM_000642.3 (MANE Select); coding-DNA position 1017, one base deleted (T; older notation c.1017delT).
Protein change: p.Glu340fs; shifts the reading frame from glutamic acid 340.
Molecular consequence: frameshift variant.
Genome position (GRCh38, 1-based): chr1:99,874,745, T deleted. VCF-style (leftmost placement, unchanged base first): chr1-99874744-CT-C. GRCh37 (hg19) VCF-style: chr1-100340300-CT-C.
Other names: c.1017delT, p.Glu340Asnfs (NM_000028.3, NM_000643.3, NM_000644.3 and 3 more transcripts); c.969delT, p.Glu324Asnfs (NM_000646.3); c.813delT, p.Glu272Asnfs (NM_001425328.1, NM_001425329.1); c.639delT, p.Glu214Asnfs (NM_001425332.1); short protein forms E340fs, E324fs.
Identifiers: ClinVar variation 2761837 (VCV002761837.3), dbSNP rs2524594594, ClinGen allele CA2646736399.

ClinVar aggregate classification (germline): Pathogenic (1 of 4 stars; one submission).

Conditions:
Glycogen storage disease type III (GSD3). Also called: FORBES DISEASE; Cori disease. Identifiers: Orphanet 366, MedGen C0017922, MONDO:0009291, OMIM 232400.

Allele frequency attached by ClinVar (database versions not stated): gnomAD exomes below 0.00001.

Submission:

Labcorp Genetics (formerly Invitae), Labcorp
Classification: Pathogenic for Glycogen storage disease type III. Last evaluated: 2023-09-19. Review status: criteria provided, single submitter. Criteria: Invitae Variant Classification Sherloc (09022015). Collection method: clinical testing. Allele origin: germline.
Comment: This variant has not been reported in the literature in individuals affected with AGL-related conditions. This sequence change creates a premature translational stop signal (p.Glu340Asnfs*9) in the AGL gene. It is expected to result in an absent or disrupted protein product. Loss-of-function variants in AGL are known to be pathogenic (PMID: 19299494). This variant is not present in population databases (gnomAD no frequency). For these reasons, this variant has been classified as Pathogenic.

Literature cited by the submitters: PubMed 19299494.